The following is an entry in ClinVar:

ClinVar aggregate classification (germline): Uncertain significance (1 of 4 stars; one submission).

Conditions:
Early Myoclonic Encephalopathy. Identifiers: MedGen C0270855.

Submission:

Labcorp Genetics (formerly Invitae), Labcorp
Classification: Uncertain significance for Early Myoclonic Encephalopathy. Last evaluated: 2024-01-10. Review status: criteria provided, single submitter. Criteria: Invitae Variant Classification Sherloc (09022015). Collection method: clinical testing. Allele origin: germline.
Comment: This sequence change replaces phenylalanine, which is neutral and non-polar, with leucine, which is neutral and non-polar, at codon 301 of the KCND2 protein (p.Phe301Leu). This variant is not present in population databases (gnomAD no frequency). This variant has not been reported in the literature in individuals affected with KCND2-related conditions. Advanced modeling of protein sequence and biophysical properties (such as structural, functional, and spatial information, amino acid conservation, physicochemical variation, residue mobility, and thermodynamic stability) has been performed at Invitae for this missense variant, however the output from this modeling did not meet the statistical confidence thresholds required to predict the impact of this variant on KCND2 protein function. In summary, the available evidence is currently insufficient to determine the role of this variant in disease. Therefore, it has been classified as a Variant of Uncertain Significance.

NM_012281.3(KCND2):c.903T>A (p.Phe301Leu)

Gene: KCND2 (potassium voltage-gated channel subfamily D member 2; plus strand). Cytogenetic location: 7q31.31.
Variant type: single nucleotide variant.
Coding change: c.903T>A on transcript NM_012281.3 (MANE Select); coding-DNA position 903, T replaced by A.
Protein change: p.Phe301Leu; replaces phenylalanine 301 with leucine.
Molecular consequence: missense variant.
Genome position (GRCh38, 1-based): chr7:120,275,535, T>A. VCF-style: chr7-120275535-T-A. GRCh37 (hg19) VCF-style: chr7-119915589-T-A.
Other names: short protein forms F301L.
Identifiers: ClinVar variation 2708679 (VCV002708679.3), dbSNP rs2546907637, ClinGen allele CA369132642.
Genomic context (GRCh38, chr7:120,275,535, plus strand): 5'-CAATGAGGACGTCAGCGGAGCCTTTGTCACACTCCGAGTCTTCCGGGTCTTCAGGATCTT[T>A]AAGTTTTCCCGCCACTCTCAAGGCCTGCGCATCCTGGGGTACACACTGAAGAGTTGTGCC-3'
Protein context (NP_036413.1, residues 291-311): TLRVFRVFRI[Phe301Leu]KFSRHSQGLR